The following is an entry in ClinVar:

ClinVar aggregate classification (germline): Uncertain significance (1 of 4 stars; one submission).

Conditions:
Immunodeficiency 104. Also called: IMMUNODEFICIENCY 104, SEVERE COMBINED; Severe combined immunodeficiency, autosomal recessive, T cell-negative, B cell-positive, NK cell-positive; SCID, AUTOSOMAL RECESSIVE, T CELL-NEGATIVE, B CELL-POSITIVE, NK CELL-POSITIVE; Severe Combined Immune Deficiency, Autosomal Recessive, TCell -Negative, B Cell-Positive, NK Cell-Positive, IL7R-Related. Identifiers: MedGen C5676890, MONDO:0012163, OMIM 608971.

Submission:

Labcorp Genetics (formerly Invitae), Labcorp
Classification: Uncertain significance for Immunodeficiency 104. Last evaluated: 2023-08-04. Review status: criteria provided, single submitter. Criteria: Invitae Variant Classification Sherloc (09022015). Collection method: clinical testing. Allele origin: germline.
Comment: ClinVar contains an entry for this variant (Variation ID: 2131387). In summary, the available evidence is currently insufficient to determine the role of this variant in disease. Therefore, it has been classified as a Variant of Uncertain Significance. An algorithm developed to predict the effect of missense changes on protein structure and function (PolyPhen-2) suggests that this variant is likely to be disruptive. This variant has not been reported in the literature in individuals affected with PTPRC-related conditions. This variant is not present in population databases (gnomAD no frequency). This sequence change replaces aspartic acid, which is acidic and polar, with valine, which is neutral and non-polar, at codon 702 of the PTPRC protein (p.Asp702Val).

NM_002838.5(PTPRC):c.2105A>T (p.Asp702Val)

Gene: PTPRC (protein tyrosine phosphatase receptor type C; plus strand). Cytogenetic location: 1q32.1.
Variant type: single nucleotide variant.
Coding change: c.2105A>T on transcript NM_002838.5 (MANE Select); coding-DNA position 2105, A replaced by T.
Protein change: p.Asp702Val; replaces aspartic acid 702 with valine.
Molecular consequence: missense variant.
Genome position (GRCh38, 1-based): chr1:198,732,519, A>T. VCF-style: chr1-198732519-A-T. GRCh37 (hg19) VCF-style: chr1-198701648-A-T.
Other names: c.1622A>T, p.Asp541Val (NM_080921.4); short protein forms D541V, D702V.
Identifiers: ClinVar variation 2131387 (VCV002131387.3), dbSNP rs2527939265, ClinGen allele CA344046042.
Genomic context (GRCh38, chr1:198,732,519, plus strand): 5'-ATTTTTCTTTTCCTTAAACAGATGATTATAACCGTGTTGAACTCTCTGAGATAAACGGAG[A>T]TGCAGGGTCAAACTACATAAATGCCAGCTATATTGATGTGAGTAAAAATTTGCATTTTTC-3'
Protein context (NP_002829.3, residues 692-712): NRVELSEING[Asp702Val]AGSNYINASY